The following is an entry in ClinVar:

ClinVar aggregate classification (germline): Conflicting classifications of pathogenicity. Review status: criteria provided, conflicting classifications (1 of 4 stars). 7 submissions from 7 submitters: Uncertain significance (6); Likely benign (1). Last evaluated 2026-04-29.

Conditions:
TTN-related disorder. Also called: TTN-related condition; TTN-related disease; TTN-related disorders.
Dilated cardiomyopathy 1G (CMD1G). Identifiers: Orphanet 154, MedGen C1858763, MONDO:0011400, OMIM 604145.
Autosomal recessive limb-girdle muscular dystrophy type 2J (LGMDR10). Also called: Limb-girdle muscular dystrophy, type 2J; MUSCULAR DYSTROPHY, LIMB-GIRDLE, AUTOSOMAL RECESSIVE 10. Identifiers: Orphanet 140922, MedGen C1837342, MONDO:0012127, OMIM 608807.
Early-onset myopathy with fatal cardiomyopathy (CMYO5). Also called: Salih Myopathy; CONGENITAL MYOPATHY 5 WITH CARDIOMYOPATHY. Identifiers: Orphanet 289377, MedGen C2673677, MONDO:0012714, OMIM 611705. Disease mechanism: loss of function.
Tibial muscular dystrophy (TMD). Also called: Tibial muscular dystrophy, tardive; Udd Distal Myopathy – Tibial Muscular Dystrophy; UDD MYOPATHY. Identifiers: Orphanet 609, MedGen C1838244, MONDO:0010870, OMIM 600334.
Myopathy, myofibrillar, 9, with early respiratory failure (MFM9). Also called: Myopathy, distal, with early respiratory failure, autosomal dominant; MYOPATHY, PROXIMAL, WITH EARLY RESPIRATORY MUSCLE INVOLVEMENT; Hereditary myopathy with early respiratory failure; EDSTROM MYOPATHY. Identifiers: Orphanet 178464, Orphanet 34521, MedGen C1863599, MONDO:0011362, OMIM 603689.
Hypertrophic cardiomyopathy 9. Also called: Familial hypertrophic cardiomyopathy 9. Identifiers: MedGen C1861065, MONDO:0013412, OMIM 613765.

Allele frequency attached by ClinVar (database versions not stated): gnomAD exomes 0.00002 and 0.00005; gnomAD 0.00004 and 0.00005; TOPMed 0.00011.
gnomAD v4.1: 85 of 1,613,750 alleles (0.0053%); highest among the groups gnomAD compares: Middle Eastern, 0.016%; 1 homozygote.

Submissions (7):

Women's Health and Genetics/Laboratory Corporation of America, LabCorp
Classification: Uncertain significance. Last evaluated: 2026-04-29. Review status: criteria provided, single submitter. Criteria: LabCorp Variant Classification Summary - May 2015. Collection method: clinical testing. Allele origin: germline.
Comment: Variant summary: TTN c.25499G>A (p.Arg8500His) results in a non-conservative amino acid change in the encoded protein sequence. Algorithms developed to predict the effect of missense changes on protein structure and function are either unavailable or do not agree on the potential impact of this missense change. The variant allele was found at a frequency of 1.6e-05 in 249214 control chromosomes. The available data on variant occurrences in the general population are insufficient to allow any conclusion about variant significance. c.25499G>A has been observed in individuals affected with Hypertrophic Cardiomyopathy, however one case also had a co-occurring pathogenic variant in MYBPC3 (e.g. Arimura_2009, Lopes_2013). These reports do not provide unequivocal conclusions about association of the variant with TTN-related conditions. At least one publication reports experimental evidence evaluating an impact on protein function, however, does not allow convincing conclusions about the variant effect (Arimura_2009). The following publications have been ascertained in the context of this evaluation (PMID: 19608031, 23396983). ClinVar contains an entry for this variant (Variation ID: 202550). Based on the evidence outlined above, the variant was classified as uncertain significance.

PreventionGenetics, part of Exact Sciences
Classification: Uncertain significance for TTN-related condition. Last evaluated: 2025-08-27. Review status: criteria provided, single submitter. Criteria: ACMG Guidelines, 2015. Collection method: clinical testing. Allele origin: germline.
Comment: The TTN c.29231G>A variant is predicted to result in the amino acid substitution p.Arg9744His. This variant has been reported in individuals with hypertrophic cardiomyopathy (described as p.Arg8500His, Arimura et al. 2009. PubMed ID: 19608031; described as p.Arg8500His in Table S1, Lopes et al. 2013. PubMed ID: 23396983). Functional studies showed that this variant alters protein-protein interactions (Arimura et al. 2009. PubMed ID: 19608031). This variant is reported in 0.0041% of alleles in individuals of African descent in gnomAD. At this time, the clinical significance of this variant is uncertain due to the absence of conclusive functional and genetic evidence.

Labcorp Genetics (formerly Invitae), Labcorp
Classification: Uncertain significance for Dilated cardiomyopathy 1G; Autosomal recessive limb-girdle muscular dystrophy type 2J. Last evaluated: 2023-12-02. Review status: criteria provided, single submitter. Criteria: Invitae Variant Classification Sherloc (09022015). Collection method: clinical testing. Allele origin: germline.
Comment: This sequence change replaces arginine, which is basic and polar, with histidine, which is basic and polar, at codon 9744 of the TTN protein (p.Arg9744His). This variant is present in population databases (rs760305440, gnomAD 0.003%). This missense change has been observed in individual(s) with hypertrophic cardiomyopathy (PMID: 19608031, 23396983). ClinVar contains an entry for this variant (Variation ID: 202550). Algorithms developed to predict the effect of variants on protein structure and function are not available or were not evaluated for this variant. Experimental studies are conflicting or provide insufficient evidence to determine the effect of this variant on TTN function (PMID: 19608031). This variant is located in the I band of TTN (PMID: 25589632). Non-truncating variants in this region may be clinically relevant, but have not been definitively shown to cause cardiomyopathy or neuromuscular disease (PMID: 27493940, 32778822). In summary, the available evidence is currently insufficient to determine the role of this variant in disease. Therefore, it has been classified as a Variant of Uncertain Significance.

Mayo Clinic Laboratories, Mayo Clinic
Classification: Uncertain significance. Last evaluated: 2023-06-14. Review status: criteria provided, single submitter. Criteria: ACMG Guidelines, 2015. Collection method: clinical testing. Allele origin: germline. Observed: 1 variant allele.

Blueprint Genetics
Classification: Likely benign. Last evaluated: 2021-12-15. Review status: criteria provided, single submitter. Criteria: ACMG Guidelines, 2015. Collection method: clinical testing. Allele origin: germline.

Fulgent Genetics
Classification: Uncertain significance for Tibial muscular dystrophy; Myopathy, myofibrillar, 9, with early respiratory failure; Dilated cardiomyopathy 1G; Autosomal recessive limb-girdle muscular dystrophy type 2J; Early-onset myopathy with fatal cardiomyopathy; Hypertrophic cardiomyopathy 9. Last evaluated: 2021-10-12. Review status: criteria provided, single submitter. Criteria: ACMG Guidelines, 2015. Collection method: clinical testing. Allele origin: unknown.

GeneDx
Classification: Uncertain significance. Last evaluated: 2020-06-02. Review status: criteria provided, single submitter. Criteria: GeneDx Variant Classification Process June 2021. Collection method: clinical testing. Allele origin: germline. Affected: yes.
Comment: Reported in association with HCM (Arimura et al., 2009; Lopes et al., 2013); Reported in ClinVar as a variant of uncertain significance (ClinVar Variant ID# 202550; Landrum et al., 2016); Not observed at a significant frequency in large population cohorts (Lek et al., 2016); Missense variant in a gene in which most reported pathogenic variants are truncating/loss-of-function; This variant is associated with the following publications: (PMID: 23396983, 21135372, 24980681, 19608031)

Literature cited by the submitters: PubMed 19608031 (cited by Women's Health and Genetics/Laboratory Corporation of America, LabCorp and Labcorp Genetics (formerly Invitae), Labcorp); PubMed 23396983 (cited by Women's Health and Genetics/Laboratory Corporation of America, LabCorp and Labcorp Genetics (formerly Invitae), Labcorp); PubMed 25589632 (cited by Labcorp Genetics (formerly Invitae), Labcorp); PubMed 27493940 (cited by Labcorp Genetics (formerly Invitae), Labcorp); PubMed 32778822 (cited by Labcorp Genetics (formerly Invitae), Labcorp).

NM_001267550.2(TTN):c.29231G>A (p.Arg9744His)

Gene: TTN (titin; minus strand). Cytogenetic location: 2q31.2.
Variant type: single nucleotide variant.
Coding change: c.29231G>A on transcript NM_001267550.2 (MANE Select); coding-DNA position 29231, G replaced by A.
Protein change: p.Arg9744His; replaces arginine 9744 with histidine.
Molecular consequence: missense variant. On other transcripts: intron variant (3).
Genome position (GRCh38, 1-based): chr2:178,706,643, C>T on the plus strand (G>A on the coding strand, the complement: TTN is on the minus strand). VCF-style: chr2-178706643-C-T. GRCh37 (hg19) VCF-style: chr2-179571370-C-T.
Other names: p.R9427H:CGT>CAT; p.Arg8500His; c.28280G>A, p.Arg9427His (NM_001256850.1); c.25499G>A, p.Arg8500His (NM_133378.4); c.13282+31439G>A (NM_003319.4); c.13858+31439G>A (NM_133437.4); c.13657+31439G>A (NM_133432.3); short protein forms R9427H, R9744H, R8500H.
Identifiers: ClinVar variation 202550 (VCV000202550.14), dbSNP rs760305440, ClinGen allele CA309560.
Genomic context (GRCh38, chr2:178,706,643, plus strand): 5'-GTTTTTGTGGTGTCCCTAATCTCCAGTTTTGCTTCATCGCCTTTTTGGTGGATGAAAACA[C>T]GACCTCCTTGGTTCAGCTGTCTCCACTTCCCTTTTGTCCATTTAACATTTGGGATTGGGT-3'
Protein context (NP_001254479.2, residues 9734-9754): GKWRQLNQGG[Arg9744His]VFIHQKGDEA